The following is an entry in ClinVar:

NM_001134673.4(NFIA):c.1255-5C>A

Gene: NFIA (nuclear factor I A; plus strand). Cytogenetic location: 1p31.3.
Variant type: single nucleotide variant.
Coding change: c.1255-5C>A on transcript NM_001134673.4 (MANE Select); 5 bases into the intron before coding-DNA position 1255, C replaced by A.
Molecular consequence: intron variant.
Genome position (GRCh38, 1-based): chr1:61,406,557, C>A. VCF-style: chr1-61406557-C-A. GRCh37 (hg19) VCF-style: chr1-61872229-C-A.
Other names: c.1231-5C>A (NM_001145511.2); c.1390-5C>A (NM_001145512.2); c.1255-5C>A (NM_005595.5).
Identifiers: ClinVar variation 3067209 (VCV003067209.21), dbSNP rs112330173, ClinGen allele CA881254.

ClinVar aggregate classification (germline): Likely benign (1 of 4 stars; one submission).

gnomAD v4.1: 146 of 1,317,552 alleles (0.011%); highest among the groups gnomAD compares: South Asian, 0.067%; no homozygotes.

Submission:

CeGaT Center for Human Genetics Tuebingen
Classification: Likely benign. Last evaluated: 2024-03-01. Review status: criteria provided, single submitter. Criteria: CeGaT Center For Human Genetics Tuebingen Variant Classification Criteria Version 2. Collection method: clinical testing. Allele origin: germline. Affected: yes. Observed: 1 variant allele.
Comment: NFIA: BP4